The following is an entry in ClinVar:

NM_001018115.3(FANCD2):c.2396C>A (p.Ala799Asp)

Genes: FANCD2 (FA complementation group D2; plus strand), LOC107303338 (3p25 FANCD2 Alu-mediated recombination region; plus strand). Cytogenetic location: 3p25.3.
Variant type: single nucleotide variant.
Coding change: c.2396C>A on transcript NM_001018115.3 (MANE Select); coding-DNA position 2396, C replaced by A.
Protein change: p.Ala799Asp; replaces alanine 799 with aspartic acid.
Molecular consequence: missense variant.
Genome position (GRCh38, 1-based): chr3:10,067,219, C>A. VCF-style: chr3-10067219-C-A. GRCh37 (hg19) VCF-style: chr3-10108903-C-A.
Other names: c.2396C>A, p.Ala799Asp (NM_001319984.2, NM_001374254.1, NM_033084.6); c.2285C>A, p.Ala762Asp (NM_001374253.1); short protein forms A799D, A762D.
Identifiers: ClinVar variation 1523758 (VCV001523758.8), dbSNP rs1193547837, ClinGen allele CA351737593.

ClinVar aggregate classification (germline): Uncertain significance. Review status: criteria provided, multiple submitters, no conflicts (2 of 4 stars). 3 submissions from 3 submitters: Uncertain significance (3). Last evaluated 2024-07-05.

Conditions:
Fanconi anemia (FA). Also called: Fanconi's anemia. Identifiers: Orphanet 84, MedGen C0015625, MeSH D005199, MONDO:0019391.
Fanconi anemia complementation group D2. Also called: FANCD2-Related Fanconi Anemia; FANCONI PANCYTOPENIA, TYPE 4; FANCONI ANEMIA, COMPLEMENTATION GROUP D. Identifiers: Orphanet 84, MedGen C3160738, MONDO:0009214, OMIM 227646.

Allele frequency attached by ClinVar (database versions not stated): gnomAD exomes below 0.00001.
gnomAD v4.1: 5 of 1,608,662 alleles (0.00031%); highest among the groups gnomAD compares: Non-Finnish European, 0.00043%; no homozygotes.

Submissions (3):

Blueprint Genetics
Classification: Uncertain significance. Last evaluated: 2024-07-05. Review status: criteria provided, single submitter. Criteria: ACMG Guidelines, 2015. Collection method: clinical testing. Allele origin: germline.

Fulgent Genetics
Classification: Uncertain significance for Fanconi anemia complementation group D2. Last evaluated: 2024-02-06. Review status: criteria provided, single submitter. Criteria: ACMG Guidelines, 2015. Collection method: clinical testing. Allele origin: germline.

Labcorp Genetics (formerly Invitae), Labcorp
Classification: Uncertain significance for Fanconi anemia. Last evaluated: 2021-08-24. Review status: criteria provided, single submitter. Criteria: Invitae Variant Classification Sherloc (09022015). Collection method: clinical testing. Allele origin: germline.
Comment: This sequence change replaces alanine with aspartic acid at codon 799 of the FANCD2 protein (p.Ala799Asp). The alanine residue is highly conserved and there is a moderate physicochemical difference between alanine and aspartic acid. This variant is not present in population databases (ExAC no frequency). This variant has not been reported in the literature in individuals affected with FANCD2-related conditions. Algorithms developed to predict the effect of missense changes on protein structure and function are either unavailable or do not agree on the potential impact of this missense change (SIFT: "Deleterious"; PolyPhen-2: "Probably Damaging"; Align-GVGD: "Class C0"). In summary, the available evidence is currently insufficient to determine the role of this variant in disease. Therefore, it has been classified as a Variant of Uncertain Significance.